The following is an entry in ClinVar:

ClinVar aggregate classification (germline): Uncertain significance (1 of 4 stars; one submission).

Allele frequency attached by ClinVar (database versions not stated): gnomAD exomes below 0.00001; ExAC 0.00001; gnomAD 0.00001; 1000 Genomes Project 30x 0.00016; 1000 Genomes Project 0.00020.

Submission:

Labcorp Genetics (formerly Invitae), Labcorp
Classification: Uncertain significance. Last evaluated: 2021-08-17. Review status: criteria provided, single submitter. Criteria: Invitae Variant Classification Sherloc (09022015). Collection method: clinical testing. Allele origin: germline.
Comment: This sequence change replaces tryptophan with arginine at codon 1224 of the SZT2 protein (p.Trp1224Arg). The tryptophan residue is highly conserved and there is a moderate physicochemical difference between tryptophan and arginine. This variant is present in population databases (rs570949388, ExAC 0.006%). This variant has not been reported in the literature in individuals with SZT2-related conditions. Algorithms developed to predict the effect of missense changes on protein structure and function (SIFT, PolyPhen-2, Align-GVGD) all suggest that this variant is likely to be disruptive, but these predictions have not been confirmed by published functional studies and their clinical significance is uncertain. In summary, the available evidence is currently insufficient to determine the role of this variant in disease. Therefore, it has been classified as a Variant of Uncertain Significance.

NM_001365999.1(SZT2):c.3841T>C (p.Trp1281Arg)

Gene: SZT2 (SZT2 subunit of KICSTOR complex; plus strand). Cytogenetic location: 1p34.2.
Variant type: single nucleotide variant.
Coding change: c.3841T>C on transcript NM_001365999.1 (MANE Select); coding-DNA position 3841, T replaced by C.
Protein change: p.Trp1281Arg; replaces tryptophan 1281 with arginine.
Molecular consequence: missense variant.
Genome position (GRCh38, 1-based): chr1:43,428,040, T>C. VCF-style: chr1-43428040-T-C. GRCh37 (hg19) VCF-style: chr1-43893711-T-C.
Other names: c.3670T>C, p.Trp1224Arg (NM_015284.4); short protein forms W1281R, W1224R.
Identifiers: ClinVar variation 859314 (VCV000859314.10), dbSNP rs570949388, ClinGen allele CA809124.
Genomic context (GRCh38, chr1:43,428,040, plus strand): 5'-TCCATTTTCCCTTCGTTTCCTAGGACTCAGTTCCTCGACCACCCCTCCCCATCCTCAGCC[T>C]GGATGGAACCCCGGTACAAGGAGGCAGCTAACCACTGTGCCCTGCTGCAGGAGCATGCAC-3'
Protein context (NP_001352928.1, residues 1271-1291): FLDHPSPSSA[Trp1281Arg]MEPRYKEAAN